The following is an entry in ClinVar:

ClinVar aggregate classification (germline): Uncertain significance. Review status: criteria provided, multiple submitters, no conflicts (2 of 4 stars). 2 submissions from 2 submitters: Uncertain significance (2). Last evaluated 2025-10-07.

Allele frequency attached by ClinVar (database versions not stated): gnomAD 0.00003; ExAC 0.00012; 1000 Genomes Project 0.00040; 1000 Genomes Project 30x 0.00047.

Submissions (2):

Ambry Genetics
Classification: Uncertain significance. Last evaluated: 2025-10-07. Review status: criteria provided, single submitter. Criteria: Ambry Variant Classification Scheme 2023. Collection method: clinical testing. Allele origin: germline.

Labcorp Genetics (formerly Invitae), Labcorp
Classification: Uncertain significance. Last evaluated: 2024-03-03. Review status: criteria provided, single submitter. Criteria: Invitae Variant Classification Sherloc (09022015). Collection method: clinical testing. Allele origin: germline.
Comment: This sequence change replaces glycine, which is neutral and non-polar, with arginine, which is basic and polar, at codon 878 of the KL protein (p.Gly878Arg). This variant is present in population databases (rs199676672, gnomAD 0.1%), and has an allele count higher than expected for a pathogenic variant. This variant has not been reported in the literature in individuals affected with KL-related conditions. ClinVar contains an entry for this variant (Variation ID: 1929908). Advanced modeling of protein sequence and biophysical properties (such as structural, functional, and spatial information, amino acid conservation, physicochemical variation, residue mobility, and thermodynamic stability) performed at Invitae indicates that this missense variant is not expected to disrupt KL protein function with a negative predictive value of 80%. In summary, the available evidence is currently insufficient to determine the role of this variant in disease. Therefore, it has been classified as a Variant of Uncertain Significance.

NM_004795.4(KL):c.2632G>A (p.Gly878Arg)

Gene: KL (klotho; plus strand). Cytogenetic location: 13q13.1.
Variant type: single nucleotide variant.
Coding change: c.2632G>A on transcript NM_004795.4 (MANE Select); coding-DNA position 2632, G replaced by A.
Protein change: p.Gly878Arg; replaces glycine 878 with arginine.
Molecular consequence: missense variant.
Genome position (GRCh38, 1-based): chr13:33,061,711, G>A. VCF-style: chr13-33061711-G-A. GRCh37 (hg19) VCF-style: chr13-33635848-G-A.
Other names: c.2632G>A (NM_004795.3); short protein forms G878R.
Identifiers: ClinVar variation 1929908 (VCV001929908.6), dbSNP rs199676672, ClinGen allele CA6944346.